The following is an entry in ClinVar:

ClinVar aggregate classification (germline): Pathogenic/Likely pathogenic. Review status: criteria provided, multiple submitters, no conflicts (2 of 4 stars). 2 submissions from 2 submitters: Pathogenic (1); Likely pathogenic (1). Last evaluated 2025-09-24.

Conditions:
Retinitis pigmentosa 39 (RP39). Identifiers: Orphanet 791, MedGen C3151138, MONDO:0013436, OMIM 613809.
Usher syndrome type 2A. Also called: RETINAL DISEASE IN USHER SYNDROME TYPE IIA, MODIFIER OF; USHER SYNDROME, TYPE IIA. Identifiers: Orphanet 231178, Orphanet 886, MedGen C1848634, MONDO:0010169, OMIM 276901.
USH2A-related disorder. Also called: USH2A-related disorders; USH2A-related condition. Identifiers: MedGen CN239332.

Submissions (2):

Myriad Genetics, Inc.
Classification: Pathogenic for USH2A-related disorder. Last evaluated: 2025-09-24. Review status: criteria provided, single submitter. Criteria: Myriad Autosomal Dominant, Autosomal Recessive and X-Linked Classification Criteria (2023). Collection method: clinical testing. Allele origin: unknown.
Comment: NM_206933.2(USH2A):c.4601_4604delCTCAinsGT(T1534Sfs*11) is a frameshift variant classified as pathogenic in the context of USH2A-related disorders. T1534Sfs*11 has not been observed in cases with relevant disease. Relevant functional assessments of this variant are not available in the literature. T1534Sfs*11 has not been observed in referenced population frequency databases. In summary, NM_206933.2(USH2A):c.4601_4604delCTCAinsGT(T1534Sfs*11) is a frameshift variant in a gene where loss of function is a known mechanism of disease and is predicted to disrupt protein function. Please note: this variant was assessed in the context of healthy population screening.

Fulgent Genetics
Classification: Likely pathogenic for Usher syndrome type 2A; Retinitis pigmentosa 39. Last evaluated: 2024-01-05. Review status: criteria provided, single submitter. Criteria: ACMG Guidelines, 2015. Collection method: clinical testing. Allele origin: germline.

NM_206933.4(USH2A):c.4601_4604delinsGT (p.Thr1534fs)

Gene: USH2A (usherin; minus strand). Cytogenetic location: 1q41.
Variant type: Indel.
Coding change: c.4601_4604delinsGT on transcript NM_206933.4 (MANE Select); coding-DNA positions 4601 to 4604, CTCA replaced by GT.
Protein change: p.Thr1534fs; shifts the reading frame from threonine 1534.
Molecular consequence: frameshift variant.
Genome position (GRCh38, 1-based): chr1:216,175,275-216,175,278, TGAG replaced by AC on the plus strand (CTCA replaced by GT on the coding strand, the reverse complement: USH2A is on the minus strand). VCF-style: chr1-216175275-TGAG-AC. GRCh37 (hg19) VCF-style: chr1-216348617-TGAG-AC.
Other names: c.4601_4604delinsGT, p.Thr1534fs (NM_007123.6); short protein forms T1534fs.
Identifiers: ClinVar variation 3579215 (VCV003579215.2).
Genomic context (GRCh38, chr1:216,175,275, plus strand): 5'-CGTGTCTCCTAAATAAAGCAATGTCAAACACACTTACCAGTGAAGTCTGTATTGACTGGG[TGAG>AC]TGGAGCTGGGAAATTTACAATACCCATTTCCTATGAAACGGATTCCTTTCATCATCGTGG-3'